The following is an entry in ClinVar:

ClinVar aggregate classification (germline): Uncertain significance (1 of 4 stars; one submission).

Allele frequency attached by ClinVar (database versions not stated): TOPMed below 0.00001.

Submission:

Ambry Genetics
Classification: Uncertain significance. Last evaluated: 2024-11-09. Review status: criteria provided, single submitter. Criteria: Ambry Variant Classification Scheme 2023. Collection method: clinical testing. Allele origin: germline.
Comment: The p.K113R variant (also known as c.338A>G), located in coding exon 1 of the EGLN1 gene, results from an A to G substitution at nucleotide position 338. The lysine at codon 113 is replaced by arginine, an amino acid with highly similar properties. This amino acid position is conserved. In addition, this alteration is predicted to be tolerated by in silico analysis. Since supporting evidence is limited at this time, the clinical significance of this alteration remains unclear.

NM_022051.3(EGLN1):c.338A>G (p.Lys113Arg)

Gene: EGLN1 (egl-9 family hypoxia inducible factor 1; minus strand). Cytogenetic location: 1q42.2.
Variant type: single nucleotide variant.
Coding change: c.338A>G on transcript NM_022051.3 (MANE Select); coding-DNA position 338, A replaced by G.
Protein change: p.Lys113Arg; replaces lysine 113 with arginine.
Molecular consequence: missense variant.
Genome position (GRCh38, 1-based): chr1:231,421,551, T>C on the plus strand (A>G on the coding strand, the complement: EGLN1 is on the minus strand). VCF-style: chr1-231421551-T-C. GRCh37 (hg19) VCF-style: chr1-231557297-T-C.
Other names: c.338A>G, p.Lys113Arg (NM_001377260.1, NM_001377261.1); short protein forms K113R.
Identifiers: ClinVar variation 1730879 (VCV001730879.3), dbSNP rs1183755554, ClinGen allele CA345237596.